The following is an entry in ClinVar:

ClinVar aggregate classification (germline): Pathogenic (1 of 4 stars; one submission).

Conditions:
Inborn genetic diseases. Identifiers: MedGen C0950123, MeSH D030342.

Submission:

Ambry Genetics
Classification: Pathogenic for Inborn genetic diseases. Last evaluated: 2025-08-04. Review status: criteria provided, single submitter. Criteria: Ambry Variant Classification Scheme 2023. Collection method: clinical testing. Allele origin: germline.
Comment: The c.830delC pathogenic mutation, located in coding exon 3 of the MBD4 gene, results from a deletion of one nucleotide at nucleotide position 830, causing a translational frameshift with a predicted alternate stop codon (p.P277Lfs*26). This variant is considered to be rare based on population cohorts in the Genome Aggregation Database (gnomAD). This alteration is expected to result in loss of function by premature protein truncation or nonsense-mediated mRNA decay. As such, this alteration is interpreted as a disease-causing mutation.

NM_001276270.2(MBD4):c.830del (p.Pro277fs)

Gene: MBD4 (methyl-CpG binding domain 4, DNA glycosylase; minus strand). Cytogenetic location: 3q21.3.
Variant type: Deletion.
Coding change: c.830del on transcript NM_001276270.2 (MANE Select); coding-DNA position 830, one base deleted (C; older notation c.830delC).
Protein change: p.Pro277fs; shifts the reading frame from proline 277.
Molecular consequence: frameshift variant. On other transcripts: intron variant (1).
Genome position (GRCh38, 1-based): chr3:129,436,814, G deleted on the plus strand (C on the coding strand, the reverse complement: MBD4 is on the minus strand); the first of 2 consecutive G bases (chr3:129,436,814-129,436,815); deleting either gives the same sequence. VCF-style (leftmost placement, unchanged base first): chr3-129436813-AG-A. GRCh37 (hg19) VCF-style: chr3-129155656-AG-A.
Other names: c.830del, p.Pro277fs (NM_001276271.2, NM_001276272.2, NM_003925.3); c.247+994del (NM_001276273.2); c.830delC (NM_001276270.2); short protein forms P277fs.
Identifiers: ClinVar variation 4104618 (VCV004104618.1).